The following is an entry in ClinVar:

NM_172232.4(ABCA5):c.2612T>C (p.Ile871Thr)

Gene: ABCA5 (ATP binding cassette subfamily A member 5; minus strand). Cytogenetic location: 17q24.3.
Variant type: single nucleotide variant.
Coding change: c.2612T>C on transcript NM_172232.4 (MANE Select); coding-DNA position 2612, T replaced by C.
Protein change: p.Ile871Thr; replaces isoleucine 871 with threonine.
Molecular consequence: missense variant.
Genome position (GRCh38, 1-based): chr17:69,274,111, A>G on the plus strand (T>C on the coding strand, the complement: ABCA5 is on the minus strand). VCF-style: chr17-69274111-A-G. GRCh37 (hg19) VCF-style: chr17-67270252-A-G.
Other names: c.2612T>C, p.Ile871Thr (NM_018672.5); short protein forms I871T.
Identifiers: ClinVar variation 771499 (VCV000771499.9), dbSNP rs80264795, ClinGen allele CA8737256.

ClinVar aggregate classification (germline): Benign. Review status: criteria provided, multiple submitters, no conflicts (2 of 4 stars). 4 submissions from 4 submitters: Benign (3). 1 of the submissions does not count toward it. Last evaluated 2020-02-14.

Conditions:
ABCA5-related disorder. Also called: ABCA5-related condition.

Allele frequency attached by ClinVar (database versions not stated): gnomAD exomes 0.00084 and 0.00331; gnomAD 0.00104 and 0.00117; TOPMed 0.00233; 1000 Genomes Project 0.00260; 1000 Genomes Project 30x 0.00297; ExAC 0.00345.

Submissions (4):

Laboratorio de Genetica e Diagnostico Molecular, Hospital Israelita Albert Einstein
Classification: Benign. Last evaluated: 2020-02-14. Review status: criteria provided, single submitter. Criteria: ACMG Guidelines, 2015. Collection method: clinical testing. Allele origin: germline. Affected: yes.
Comment: ACMG classification criteria: BS1, BS2

Labcorp Genetics (formerly Invitae), Labcorp
Classification: Benign. Last evaluated: 2019-12-31. Review status: criteria provided, single submitter. Criteria: Invitae Variant Classification Sherloc (09022015). Collection method: clinical testing. Allele origin: germline.

Breakthrough Genomics
Classification: Benign. Review status: criteria provided, single submitter. Criteria: ACMG Guidelines, 2015. Collection method: not provided. Allele origin: germline. Inheritance: Autosomal recessive inheritance. Affected: yes.

PreventionGenetics, part of Exact Sciences
Classification: Benign for ABCA5-related condition. Last evaluated: 2019-03-01. Review status: no assertion criteria provided. Collection method: clinical testing. Allele origin: germline. Not counted in ClinVar's aggregate classification.
Comment: This variant is classified as benign based on ACMG/AMP sequence variant interpretation guidelines (Richards et al. 2015 PMID: 25741868, with internal and published modifications).